The following is an entry in ClinVar:

NM_000260.4(MYO7A):c.3430del (p.Glu1144fs)

Gene: MYO7A (myosin VIIA; plus strand). Cytogenetic location: 11q13.5.
Variant type: Deletion.
Coding change: c.3430del on transcript NM_000260.4 (MANE Select); coding-DNA position 3430, one base deleted (G; older notation c.3430delG).
Protein change: p.Glu1144fs; shifts the reading frame from glutamic acid 1144.
Molecular consequence: frameshift variant.
Genome position (GRCh38, 1-based): chr11:77,184,642, G deleted; the last of 2 consecutive G bases (chr11:77,184,641-77,184,642); deleting either gives the same sequence. VCF-style (leftmost placement, unchanged base first): chr11-77184640-TG-T. GRCh37 (hg19) VCF-style: chr11-76895685-TG-T.
Other names: c.3430del, p.Glu1144fs (NM_001127180.2); c.3397del, p.Glu1133fs (NM_001369365.1); short protein forms E1144fs, E1133fs.
Identifiers: ClinVar variation 2041025 (VCV002041025.4), dbSNP rs1214951193, ClinGen allele CA600346228.

ClinVar aggregate classification (germline): Pathogenic (1 of 4 stars; one submission).

Submission:

Labcorp Genetics (formerly Invitae), Labcorp
Classification: Pathogenic. Last evaluated: 2023-07-26. Review status: criteria provided, single submitter. Criteria: Invitae Variant Classification Sherloc (09022015). Collection method: clinical testing. Allele origin: germline.
Comment: ClinVar contains an entry for this variant (Variation ID: 2041025). For these reasons, this variant has been classified as Pathogenic. This variant has not been reported in the literature in individuals affected with MYO7A-related conditions. This sequence change creates a premature translational stop signal (p.Glu1144Argfs*36) in the MYO7A gene. It is expected to result in an absent or disrupted protein product. Loss-of-function variants in MYO7A are known to be pathogenic (PMID: 8900236, 25404053). This variant is present in population databases (no rsID available, gnomAD 0.01%).

Literature cited by the submitters: PubMed 8900236; PubMed 25404053.